The following is an entry in ClinVar:

ClinVar aggregate classification (germline): Likely benign (0 of 4 stars; one submission).

Conditions:
JPH3-related disorder. Also called: JPH3-related condition.

Allele frequency attached by ClinVar (database versions not stated): gnomAD 0.00008; gnomAD exomes 0.00009; TOPMed 0.00009; 1000 Genomes Project 0.00020; ExAC 0.00024; 1000 Genomes Project 30x 0.00062.
gnomAD v4.1: 146 of 1,563,816 alleles (0.0093%); highest among the groups gnomAD compares: East Asian, 0.12%; 1 homozygote.

Submission:

PreventionGenetics, part of Exact Sciences
Classification: Likely benign for JPH3-related condition. Last evaluated: 2019-02-20. Review status: no assertion criteria provided. Collection method: clinical testing. Allele origin: germline.
Comment: This variant is classified as likely benign based on ACMG/AMP sequence variant interpretation guidelines (Richards et al. 2015 PMID: 25741868, with internal and published modifications).

NM_020655.4(JPH3):c.309C>T (p.Asn103=)

Gene: JPH3 (junctophilin 3; plus strand). Cytogenetic location: 16q24.2.
Variant type: single nucleotide variant.
Coding change: c.309C>T on transcript NM_020655.4 (MANE Select); coding-DNA position 309, C replaced by T.
Protein change: p.Asn103=; no amino-acid change (asparagine 103 retained).
Molecular consequence: synonymous variant.
Genome position (GRCh38, 1-based): chr16:87,603,455, C>T. VCF-style: chr16-87603455-C-T. GRCh37 (hg19) VCF-style: chr16-87637061-C-T.
Other names: c.309C>T, p.Asn103= (NM_001271604.4, NM_001271605.3).
Identifiers: ClinVar variation 3046536 (VCV003046536.2), dbSNP rs200715575, ClinGen allele CA8220607.
Genomic context (GRCh38, chr16:87,603,455, plus strand): 5'-CAAGGGCGAGTGGACGCACGGATTCAAGGGGCGCTACGGGGTGCGGGAGTGCGCGGGCAA[C>T]GGGGCCAAATACGAAGGGACCTGGAGCAACGGGCTGCAGGACGGCTACGGGACCGAGACC-3'
Protein context (NP_065706.2, residues 93-113): GRYGVRECAG[Asn103=]GAKYEGTWSN